The following is an entry in ClinVar:

NM_005101.4(ISG15):c.463C>T (p.Arg155Trp)

Gene: ISG15 (ISG15 ubiquitin like modifier; plus strand). Cytogenetic location: 1p36.33.
Variant type: single nucleotide variant.
Coding change: c.463C>T on transcript NM_005101.4 (MANE Select); coding-DNA position 463, C replaced by T.
Protein change: p.Arg155Trp; replaces arginine 155 with tryptophan.
Molecular consequence: missense variant.
Genome position (GRCh38, 1-based): chr1:1,014,443, C>T. VCF-style: chr1-1014443-C-T. GRCh37 (hg19) VCF-style: chr1-949823-C-T.
Other names: short protein forms R155W.
Identifiers: ClinVar variation 953283 (VCV000953283.3), dbSNP rs761507082, ClinGen allele CA507718.

ClinVar aggregate classification (germline): Uncertain significance (1 of 4 stars; one submission).

Conditions:
Mendelian susceptibility to mycobacterial diseases due to complete ISG15 deficiency. Also called: Immunodeficiency 38; IMMUNODEFICIENCY 38, MYCOBACTERIOSIS, AUTOSOMAL RECESSIVE; ISG15 DEFICIENCY, AUTOSOMAL RECESSIVE; Immunodeficiency 38 with basal ganglia calcification. Identifiers: Orphanet 319563, MedGen C4015293, MONDO:0014502, OMIM 616126.

Allele frequency attached by ClinVar (database versions not stated): gnomAD 0.00003; TOPMed 0.00004.
gnomAD v4.1: 54 of 1,609,066 alleles (0.0034%); highest among the groups gnomAD compares: Middle Eastern, 0.066%; no homozygotes.

Submission:

Labcorp Genetics (formerly Invitae), Labcorp
Classification: Uncertain significance for Mendelian susceptibility to mycobacterial diseases due to complete ISG15 deficiency. Last evaluated: 2022-08-22. Review status: criteria provided, single submitter. Criteria: Invitae Variant Classification Sherloc (09022015). Collection method: clinical testing. Allele origin: germline.
Comment: This sequence change replaces arginine, which is basic and polar, with tryptophan, which is neutral and slightly polar, at codon 155 of the ISG15 protein (p.Arg155Trp). This variant is present in population databases (rs761507082, gnomAD 0.04%). This missense change has been observed in individual(s) with clinical features of Mendelian susceptibility to mycobacterial disease (Invitae). ClinVar contains an entry for this variant (Variation ID: 953283). Algorithms developed to predict the effect of missense changes on protein structure and function are either unavailable or do not agree on the potential impact of this missense change (SIFT: "Deleterious"; PolyPhen-2: "Probably Damaging"; Align-GVGD: "Class C0"). In summary, the available evidence is currently insufficient to determine the role of this variant in disease. Therefore, it has been classified as a Variant of Uncertain Significance.